The following is an entry in ClinVar:

ClinVar aggregate classification (germline): Uncertain significance. Review status: criteria provided, multiple submitters, no conflicts (2 of 4 stars). 2 submissions from 2 submitters: Uncertain significance (2). Last evaluated 2024-01-01.

Allele frequency attached by ClinVar (database versions not stated): TOPMed below 0.00001.

Submissions (2):

CeGaT Center for Human Genetics Tuebingen
Classification: Uncertain significance. Last evaluated: 2024-01-01. Review status: criteria provided, single submitter. Criteria: CeGaT Center For Human Genetics Tuebingen Variant Classification Criteria Version 2. Collection method: clinical testing. Allele origin: germline. Affected: yes. Observed: 1 variant allele.
Comment: GABRB1: PM2, PP2, PP3

Ambry Genetics
Classification: Uncertain significance. Last evaluated: 2023-12-20. Review status: criteria provided, single submitter. Criteria: Ambry Variant Classification Scheme 2023. Collection method: clinical testing. Allele origin: germline.

NM_000812.4(GABRB1):c.914C>T (p.Ala305Val)

Gene: GABRB1 (gamma-aminobutyric acid type A receptor subunit beta1; plus strand). Cytogenetic location: 4p12.
Variant type: single nucleotide variant.
Coding change: c.914C>T on transcript NM_000812.4 (MANE Select); coding-DNA position 914, C replaced by T.
Protein change: p.Ala305Val; replaces alanine 305 with valine.
Molecular consequence: missense variant.
Genome position (GRCh38, 1-based): chr4:47,406,760, C>T. VCF-style: chr4-47406760-C-T. GRCh37 (hg19) VCF-style: chr4-47408777-C-T.
Other names: c.914C>T (NM_000812.3); short protein forms A305V.
Identifiers: ClinVar variation 3027000 (VCV003027000.23), dbSNP rs1728586649, ClinGen allele CA356811452.